The following is an entry in ClinVar:

NM_007194.4(CHEK2):c.1253T>C (p.Phe418Ser)

Gene: CHEK2 (checkpoint kinase 2; minus strand). Cytogenetic location: 22q12.1.
Variant type: single nucleotide variant.
Coding change: c.1253T>C on transcript NM_007194.4 (MANE Select); coding-DNA position 1253, T replaced by C.
Protein change: p.Phe418Ser; replaces phenylalanine 418 with serine.
Molecular consequence: missense variant.
Genome position (GRCh38, 1-based): chr22:28,695,716, A>G on the plus strand (T>C on the coding strand, the complement: CHEK2 is on the minus strand). VCF-style: chr22-28695716-A-G. GRCh37 (hg19) VCF-style: chr22-29091704-A-G.
Other names: c.1382T>C, p.Phe461Ser (NM_001005735.3); c.590T>C, p.Phe197Ser (NM_001257387.3); c.1052T>C, p.Phe351Ser (NM_001349956.3); c.1166T>C, p.Phe389Ser (NM_145862.3); short protein forms F418S, F351S, F389S, F461S, F197S.
Identifiers: ClinVar variation 957839 (VCV000957839.11), dbSNP rs2052547427, ClinGen allele CA411096521.

ClinVar aggregate classification (germline): Uncertain significance. Review status: criteria provided, multiple submitters, no conflicts (2 of 4 stars). 2 submissions from 2 submitters: Uncertain significance (2). Last evaluated 2025-07-22.

Conditions:
Hereditary cancer-predisposing syndrome. Also called: Tumor predisposition; Hereditary neoplastic syndrome; Neoplastic Syndromes, Hereditary; Hereditary Cancer Syndrome. Identifiers: Orphanet 140162, MedGen C0027672, MeSH D009386, MONDO:0015356.
Familial cancer of breast. Also called: BREAST CANCER, FAMILIAL; Hereditary breast cancer; hereditary breast carcinoma. Identifiers: Orphanet 227535, MedGen C0346153, MONDO:0016419, OMIM 114480. Disease mechanism: loss of function.

Submissions (2):

Ambry Genetics
Classification: Uncertain significance for Hereditary cancer-predisposing syndrome. Last evaluated: 2025-07-22. Review status: criteria provided, single submitter. Criteria: Ambry Variant Classification Scheme 2023. Collection method: clinical testing. Allele origin: germline.
Comment: The p.F418S variant (also known as c.1253T>C), located in coding exon 10 of the CHEK2 gene, results from a T to C substitution at nucleotide position 1253. The phenylalanine at codon 418 is replaced by serine, an amino acid with highly dissimilar properties. This amino acid position is highly conserved in available vertebrate species. In addition, this alteration is predicted to be deleterious by in silico analysis. Based on the available evidence, the clinical significance of this variant remains unclear.

Labcorp Genetics (formerly Invitae), Labcorp
Classification: Uncertain significance for Familial cancer of breast. Last evaluated: 2024-05-23. Review status: criteria provided, single submitter. Criteria: Invitae Variant Classification Sherloc (09022015). Collection method: clinical testing. Allele origin: germline.
Comment: This sequence change replaces phenylalanine, which is neutral and non-polar, with serine, which is neutral and polar, at codon 418 of the CHEK2 protein (p.Phe418Ser). This variant is not present in population databases (gnomAD no frequency). This variant has not been reported in the literature in individuals affected with CHEK2-related conditions. ClinVar contains an entry for this variant (Variation ID: 957839). An algorithm developed to predict the effect of missense changes on protein structure and function (PolyPhen-2) suggests that this variant is likely to be disruptive. In summary, the available evidence is currently insufficient to determine the role of this variant in disease. Therefore, it has been classified as a Variant of Uncertain Significance.